The following is an entry in ClinVar:

ClinVar aggregate classification (germline): Uncertain significance (1 of 4 stars; one submission).

Submission:

Labcorp Genetics (formerly Invitae), Labcorp
Classification: Uncertain significance. Last evaluated: 2023-09-23. Review status: criteria provided, single submitter. Criteria: Invitae Variant Classification Sherloc (09022015). Collection method: clinical testing. Allele origin: germline.
Comment: This sequence change replaces glutamine, which is neutral and polar, with proline, which is neutral and non-polar, at codon 1679 of the COL4A5 protein (p.Gln1679Pro). In summary, the available evidence is currently insufficient to determine the role of this variant in disease. Therefore, it has been classified as a Variant of Uncertain Significance. Advanced modeling of protein sequence and biophysical properties (such as structural, functional, and spatial information, amino acid conservation, physicochemical variation, residue mobility, and thermodynamic stability) has been performed at Invitae for this missense variant, however the output from this modeling did not meet the statistical confidence thresholds required to predict the impact of this variant on COL4A5 protein function. This missense change has been observed in individuals with Alport syndrome (PMID: 22921432; Invitae). This variant is not present in population databases (gnomAD no frequency).

Literature cited by the submitters: PubMed 22921432.

NM_033380.3(COL4A5):c.5054A>C (p.Gln1685Pro)

Gene: COL4A5 (collagen type IV alpha 5 chain; plus strand). Cytogenetic location: Xq22.3.
Variant type: single nucleotide variant.
Coding change: c.5054A>C on transcript NM_033380.3 (MANE Select); coding-DNA position 5054, A replaced by C.
Protein change: p.Gln1685Pro; replaces glutamine 1685 with proline.
Molecular consequence: missense variant.
Genome position (GRCh38, 1-based): chrX:108,696,356, A>C. VCF-style: chrX-108696356-A-C. GRCh37 (hg19) VCF-style: chrX-107939586-A-C.
Other names: c.5036A>C, p.Gln1679Pro (NM_000495.5); short protein forms Q1679P, Q1685P.
Identifiers: ClinVar variation 2737354 (VCV002737354.3), dbSNP rs1569509492, ClinGen allele CA414133152.